The following is an entry in ClinVar:

NM_006721.4(ADK):c.792G>C (p.Lys264Asn)

Gene: ADK (adenosine kinase; plus strand). Cytogenetic location: 10q22.2.
Variant type: single nucleotide variant.
Coding change: c.792G>C on transcript NM_006721.4 (MANE Select); coding-DNA position 792, G replaced by C.
Protein change: p.Lys264Asn; replaces lysine 264 with asparagine.
Molecular consequence: missense variant. On other transcripts: intron variant (1).
Genome position (GRCh38, 1-based): chr10:74,600,408, G>C. VCF-style: chr10-74600408-G-C. GRCh37 (hg19) VCF-style: chr10-76360166-G-C.
Other names: c.792G>C (NM_006721.3); c.741G>C, p.Lys247Asn (NM_001123.4); c.687G>C, p.Lys229Asn (NM_001202449.2); c.621G>C, p.Lys207Asn (NM_001202450.2); c.570G>C, p.Lys190Asn (NM_001369124.1); c.762+11091G>C (NM_001369123.1); short protein forms K229N, K264N, K247N, K190N, K207N.
Identifiers: ClinVar variation 1408394 (VCV001408394.7), dbSNP rs770932896, ClinGen allele CA5564075.

ClinVar aggregate classification (germline): Uncertain significance. Review status: criteria provided, multiple submitters, no conflicts (2 of 4 stars). 2 submissions from 2 submitters: Uncertain significance (2). Last evaluated 2025-10-29.

Conditions:
Inborn genetic diseases. Identifiers: MedGen C0950123, MeSH D030342.

Allele frequency attached by ClinVar (database versions not stated): gnomAD exomes below 0.00001 and 0.00002; gnomAD 0.00001; ExAC 0.00004; TOPMed below 0.00001.
gnomAD v4.1: 5 of 1,610,534 alleles (0.00031%); highest among the groups gnomAD compares: East Asian, 0.011%; no homozygotes.

Submissions (2):

Ambry Genetics
Classification: Uncertain significance for Inborn genetic diseases. Last evaluated: 2025-10-29. Review status: criteria provided, single submitter. Criteria: Ambry Variant Classification Scheme 2023. Collection method: clinical testing. Allele origin: germline.

Labcorp Genetics (formerly Invitae), Labcorp
Classification: Uncertain significance. Last evaluated: 2022-11-08. Review status: criteria provided, single submitter. Criteria: Invitae Variant Classification Sherloc (09022015). Collection method: clinical testing. Allele origin: germline.
Comment: ClinVar contains an entry for this variant (Variation ID: 1408394). This variant has not been reported in the literature in individuals affected with ADK-related conditions. This variant is present in population databases (rs770932896, gnomAD 0.03%). This sequence change replaces lysine, which is basic and polar, with asparagine, which is neutral and polar, at codon 247 of the ADK protein (p.Lys247Asn). Advanced modeling of protein sequence and biophysical properties (such as structural, functional, and spatial information, amino acid conservation, physicochemical variation, residue mobility, and thermodynamic stability) performed at Invitae indicates that this missense variant is not expected to disrupt ADK protein function. In summary, the available evidence is currently insufficient to determine the role of this variant in disease. Therefore, it has been classified as a Variant of Uncertain Significance.